The following is an entry in ClinVar:

NM_000321.3(RB1):c.2360G>C (p.Arg787Pro)

Gene: RB1 (RB transcriptional corepressor 1; plus strand). Cytogenetic location: 13q14.2.
Variant type: single nucleotide variant.
Coding change: c.2360G>C on transcript NM_000321.3 (MANE Select); coding-DNA position 2360, G replaced by C.
Protein change: p.Arg787Pro; replaces arginine 787 with proline.
Molecular consequence: missense variant.
Genome position (GRCh38, 1-based): chr13:48,465,239, G>C. VCF-style: chr13-48465239-G-C. GRCh37 (hg19) VCF-style: chr13-49039375-G-C.
Other names: c.2360G>C, p.Arg787Pro (NM_001407165.1); short protein forms R787P.
Identifiers: ClinVar variation 3943352 (VCV003943352.1).

ClinVar aggregate classification (germline): Uncertain significance (1 of 4 stars; one submission).

Conditions:
Hereditary cancer-predisposing syndrome. Also called: Tumor predisposition; Hereditary neoplastic syndrome; Hereditary Cancer Syndrome; Neoplastic Syndromes, Hereditary. Identifiers: Orphanet 140162, MedGen C0027672, MeSH D009386, MONDO:0015356.

gnomAD v4.1: 6 of 1,613,646 alleles (0.00037%); highest among the groups gnomAD compares: Non-Finnish European, 0.00051%; no homozygotes.

Submission:

Ambry Genetics
Classification: Uncertain significance for Hereditary cancer-predisposing syndrome. Last evaluated: 2025-05-02. Review status: criteria provided, single submitter. Criteria: Ambry Variant Classification Scheme 2023. Collection method: clinical testing. Allele origin: germline.
Comment: The p.R787P variant (also known as c.2360G>C), located in coding exon 23 of the RB1 gene, results from a G to C substitution at nucleotide position 2360. The arginine at codon 787 is replaced by proline, an amino acid with dissimilar properties. This amino acid position is conserved. In addition, the in silico prediction for this alteration is inconclusive. Based on the available evidence, the clinical significance of this variant remains unclear.